The following is an entry in ClinVar:

NM_031935.3(HMCN1):c.15685A>G (p.Met5229Val)

Gene: HMCN1 (hemicentin 1; plus strand). Cytogenetic location: 1q31.1.
Variant type: single nucleotide variant.
Coding change: c.15685A>G on transcript NM_031935.3 (MANE Select); coding-DNA position 15685, A replaced by G.
Protein change: p.Met5229Val; replaces methionine 5229 with valine.
Molecular consequence: missense variant.
Genome position (GRCh38, 1-based): chr1:186,171,447, A>G. VCF-style: chr1-186171447-A-G. GRCh37 (hg19) VCF-style: chr1-186140579-A-G.
Other names: short protein forms M5229V.
Identifiers: ClinVar variation 875962 (VCV000875962.11), dbSNP rs748823261, ClinGen allele CA1295330.
Genomic context (GRCh38, chr1:186,171,447, plus strand): 5'-GCCATAGGAAGTTTCCATTGTGGATGTGAACCTGGGTATCAGCTCAAAGGCAGAAAATGC[A>G]TGGGTAAGAAAAGGGCTTTGAATTTAAAGGAATGACACCTCTATAACTTCTTAATGATGT-3'
Protein context (NP_114141.2, residues 5219-5239): PGYQLKGRKC[Met5229Val]DVNECRQNVC

ClinVar aggregate classification (germline): Uncertain significance. Review status: criteria provided, multiple submitters, no conflicts (2 of 4 stars). 4 submissions from 4 submitters: Uncertain significance (4). Last evaluated 2024-02-03.

Conditions:
Age related macular degeneration 1 (ARMD1). Also called: MACULOPATHY, AGE-RELATED, 1. Identifiers: MedGen C1864205, MONDO:0011285, OMIM 603075.

Allele frequency attached by ClinVar (database versions not stated): gnomAD 0.00001; gnomAD exomes 0.00001 and 0.00004; ExAC 0.00002; TOPMed 0.00002.
gnomAD v4.1: 9 of 1,607,350 alleles (0.00056%); highest among the groups gnomAD compares: East Asian, 0.02%; no homozygotes.

Submissions (4):

Labcorp Genetics (formerly Invitae), Labcorp
Classification: Uncertain significance. Last evaluated: 2024-02-03. Review status: criteria provided, single submitter. Criteria: Invitae Variant Classification Sherloc (09022015). Collection method: clinical testing. Allele origin: germline.
Comment: This sequence change replaces methionine, which is neutral and non-polar, with valine, which is neutral and non-polar, at codon 5229 of the HMCN1 protein (p.Met5229Val). This variant is present in population databases (rs748823261, gnomAD 0.05%). This variant has not been reported in the literature in individuals affected with HMCN1-related conditions. ClinVar contains an entry for this variant (Variation ID: 875962). Algorithms developed to predict the effect of missense changes on protein structure and function output the following: SIFT: "Not Available"; PolyPhen-2: "Benign"; Align-GVGD: "Not Available". The valine amino acid residue is found in multiple mammalian species, which suggests that this missense change does not adversely affect protein function. In summary, the available evidence is currently insufficient to determine the role of this variant in disease. Therefore, it has been classified as a Variant of Uncertain Significance.

Ambry Genetics
Classification: Uncertain significance. Last evaluated: 2023-12-04. Review status: criteria provided, single submitter. Criteria: Ambry Variant Classification Scheme 2023. Collection method: clinical testing. Allele origin: germline.

Genome-Nilou Lab
Classification: Uncertain significance for Age related macular degeneration 1. Last evaluated: 2023-04-11. Review status: criteria provided, single submitter. Criteria: ACMG Guidelines, 2015. Collection method: clinical testing. Allele origin: germline. Affected: no.

Illumina Laboratory Services, Illumina
Classification: Uncertain significance for Age related macular degeneration 1. Last evaluated: 2018-01-12. Review status: criteria provided, single submitter. Criteria: ICSL Variant Classification Criteria 13 December 2019. Collection method: clinical testing. Allele origin: germline.